The following is an entry in ClinVar:

NM_130839.5(UBE3A):c.798_799del (p.Cys266_Asp267delinsTer)

Genes: SNHG14 (small nucleolar RNA host gene 14; plus strand), UBE3A (ubiquitin protein ligase E3A; minus strand). Cytogenetic location: 15q11.2.
Variant type: Microsatellite.
Coding change: c.798_799del on transcript NM_130839.5 (MANE Select); coding-DNA positions 798 to 799, 2 bases deleted (TG; older notation c.798_799delTG).
Protein change: p.Cys266_Asp267delinsTer.
Molecular consequence: nonsense. On other transcripts: non-coding transcript variant (1), intron variant (2).
Genome position (GRCh38, 1-based): chr15:25,371,375-25,371,376, CA deleted on the plus strand (TG on the coding strand, the reverse complement: UBE3A is on the minus strand); deleting any 2 consecutive bases within chr15:25,371,375-25,371,378 gives the same sequence; the c. name uses the placement nearest the transcript's 3' end. VCF-style (leftmost placement, unchanged base first): chr15-25371374-TCA-T. GRCh37 (hg19) VCF-style: chr15-25616521-TCA-T.
Other names: c.738_739del, p.Cys246_Asp247delinsTer (NM_130838.4, NM_001354506.2, NM_001354507.2 and 17 more transcripts); c.301+4089_301+4090del (NM_001354551.2); c.807_808del, p.Cys269_Asp270delinsTer (NM_000462.5); c.798_799del, p.Cys266_Asp267delinsTer (NM_001354505.1, NM_001354538.2, NM_001354545.2); c.621_622del, p.Cys207_Asp208delinsTer (NM_001354546.2); c.361+4089_361+4090del (NM_001354550.2).
Identifiers: ClinVar variation 3776163 (VCV003776163.1).
Genomic context (GRCh38, chr15:25,371,374, plus strand): 5'-ACGATAATGAACAAATTCAGATAATTAGGATCTCGAGAGTATACATTGTGATACGTCAAG[TCA>T]CATTCCACGTTAGGTGACAAATATACAAGTGCATTGAGAAAGGCAGTTTCAATTTTTTCA-3'

ClinVar aggregate classification (germline): Likely pathogenic (1 of 4 stars; one submission).

Conditions:
Angelman syndrome (AS). Also called: HAPPY PUPPET SYNDROME. Identifiers: Orphanet 72, MedGen C0162635, MONDO:0007113, OMIM 105830. Disease mechanism: loss of function. Inheritance: AS is caused by disruption of maternally imprinted UBE3A located within the 15q11.2-q13 Angelman syndrome/Prader-Willi syndrome (AS/PWS) region., imprinting disorder.

Submission:

3billion
Classification: Likely pathogenic for Angelman syndrome. Last evaluated: 2024-01-19. Review status: criteria provided, single submitter. Criteria: ACMG Guidelines, 2015. Collection method: clinical testing. Allele origin: germline. Affected: yes.
Comment: The variant is not observed in the gnomAD v2.1.1 dataset. Predicted Consequence/Location: Stop-gained (nonsense): predicted to result in a loss or disruption of normal protein function through nonsense-mediated decay (NMD) or protein truncation. Multiple pathogenic variants are reported downstream of the variant. Therefore, this variant is classified as Likely pathogenic according to the recommendation of ACMG/AMP guideline.